The following is an entry in ClinVar:

NM_001267550.2(TTN):c.32665C>T (p.Gln10889Ter)

Gene: TTN (titin; minus strand). Cytogenetic location: 2q31.2.
Variant type: single nucleotide variant.
Coding change: c.32665C>T on transcript NM_001267550.2 (MANE Select); coding-DNA position 32665, C replaced by T.
Protein change: p.Gln10889Ter; replaces glutamine 10889 with a stop codon.
Molecular consequence: nonsense. On other transcripts: intron variant (3).
Genome position (GRCh38, 1-based): chr2:178,684,387, G>A on the plus strand (C>T on the coding strand, the complement: TTN is on the minus strand). VCF-style: chr2-178684387-G-A. GRCh37 (hg19) VCF-style: chr2-179549114-G-A.
Other names: c.31714C>T, p.Gln10572Ter (NM_001256850.1); c.28933C>T, p.Gln9645Ter (NM_133378.4); c.13283-42070C>T (NM_003319.4); c.13859-42070C>T (NM_133437.4); c.13658-42070C>T (NM_133432.3); short protein forms Q10572*, Q10889*, Q9645*.
Identifiers: ClinVar variation 1678137 (VCV001678137.2), dbSNP rs1577378975, ClinGen allele CA349546305.

ClinVar aggregate classification (germline): Likely pathogenic. Review status: criteria provided, multiple submitters, no conflicts (2 of 4 stars). 2 submissions from 2 submitters: Likely pathogenic (2). Last evaluated 2025-07-30.

Conditions:
Dilated cardiomyopathy 1G (CMD1G). Identifiers: Orphanet 154, MedGen C1858763, MONDO:0011400, OMIM 604145.
Autosomal recessive limb-girdle muscular dystrophy type 2J (LGMDR10). Also called: Limb-girdle muscular dystrophy, type 2J; MUSCULAR DYSTROPHY, LIMB-GIRDLE, AUTOSOMAL RECESSIVE 10. Identifiers: Orphanet 140922, MedGen C1837342, MONDO:0012127, OMIM 608807.

Allele frequency attached by ClinVar (database versions not stated): gnomAD exomes below 0.00001.
gnomAD v4.1: 1 of 1,613,436 alleles (0.000062%); highest among the groups gnomAD compares: South Asian, 0.0011%; no homozygotes.

Submissions (2):

Labcorp Genetics (formerly Invitae), Labcorp
Classification: Likely pathogenic for Dilated cardiomyopathy 1G; Autosomal recessive limb-girdle muscular dystrophy type 2J. Last evaluated: 2025-07-30. Review status: criteria provided, single submitter. Criteria: Invitae Variant Classification Sherloc (09022015). Collection method: clinical testing. Allele origin: germline.
Comment: This sequence change creates a premature translational stop signal (p.Gln10889*) in the TTN gene. While this is not anticipated to result in nonsense mediated decay, it is expected to create a truncated TTN protein. This variant is not present in population databases (gnomAD no frequency). This variant has not been reported in the literature in individuals affected with TTN-related conditions. ClinVar contains an entry for this variant (Variation ID: 1678137). Algorithms developed to predict the effect of sequence changes on RNA splicing suggest that this variant may disrupt the consensus splice site. This variant is located in the I band of TTN (PMID: 25589632). Truncating variants in this region have been reported in individuals affected with autosomal recessive centronuclear myopathy (PMID: 23975875, internal data). Truncating variants in this region have also been identified in individuals affected with autosomal dominant dilated cardiomyopathy and/or cardio-related conditions (PMID: 27869827, 32964742, internal data). In summary, the currently available evidence indicates that the variant is pathogenic, but additional data are needed to prove that conclusively. Therefore, this variant has been classified as Likely Pathogenic.

AiLife Diagnostics
Classification: Likely pathogenic. Last evaluated: 2021-11-20. Review status: criteria provided, single submitter. Criteria: ACMG Guidelines, 2015. Collection method: clinical testing. Allele origin: germline. Affected: yes. Observed: 1 variant allele.

Literature cited by the submitters: PubMed 25589632 (cited by Labcorp Genetics (formerly Invitae), Labcorp); PubMed 23975875 (cited by Labcorp Genetics (formerly Invitae), Labcorp); PubMed 27869827 (cited by Labcorp Genetics (formerly Invitae), Labcorp); PubMed 32964742 (cited by Labcorp Genetics (formerly Invitae), Labcorp).